The following is an entry in ClinVar:

NM_001199138.2(NLRC4):c.1067C>T (p.Ser356Phe)

Gene: NLRC4 (NLR family CARD domain containing 4; minus strand). Cytogenetic location: 2p22.3.
Variant type: single nucleotide variant.
Coding change: c.1067C>T on transcript NM_001199138.2 (MANE Select); coding-DNA position 1067, C replaced by T.
Protein change: p.Ser356Phe; replaces serine 356 with phenylalanine.
Molecular consequence: missense variant. On other transcripts: intron variant (1).
Genome position (GRCh38, 1-based): chr2:32,250,797, G>A on the plus strand (C>T on the coding strand, the complement: NLRC4 is on the minus strand). VCF-style: chr2-32250797-G-A. GRCh37 (hg19) VCF-style: chr2-32475866-G-A.
Other names: c.1067C>T, p.Ser356Phe (NM_001199139.2, NM_021209.5); c.262+1622C>T (NM_001302504.1); short protein forms S356F.
Identifiers: ClinVar variation 2947003 (VCV002947003.3), dbSNP rs1687056691, ClinGen allele CA346513620.

ClinVar aggregate classification (germline): Uncertain significance (1 of 4 stars; one submission).

Conditions:
Periodic fever-infantile enterocolitis-autoinflammatory syndrome. Also called: Autoinflammation with infantile enterocolitis. Identifiers: Orphanet 436166, MedGen C4015067, MONDO:0014472, OMIM 616050.
Familial cold autoinflammatory syndrome 4 (FCAS4). Identifiers: Orphanet 47045, Orphanet 576349, MedGen C4015276, MONDO:0014498, OMIM 616115.

gnomAD v4.1: 1 of 1,613,954 alleles (0.000062%); no homozygotes.

Submission:

Labcorp Genetics (formerly Invitae), Labcorp
Classification: Uncertain significance for Periodic fever-infantile enterocolitis-autoinflammatory syndrome; Familial cold autoinflammatory syndrome 4. Last evaluated: 2023-04-22. Review status: criteria provided, single submitter. Criteria: Invitae Variant Classification Sherloc (09022015). Collection method: clinical testing. Allele origin: germline.
Comment: Advanced modeling of protein sequence and biophysical properties (such as structural, functional, and spatial information, amino acid conservation, physicochemical variation, residue mobility, and thermodynamic stability) performed at Invitae indicates that this missense variant is not expected to disrupt NLRC4 protein function. This variant has not been reported in the literature in individuals affected with NLRC4-related conditions. This variant is not present in population databases (gnomAD no frequency). This sequence change replaces serine, which is neutral and polar, with phenylalanine, which is neutral and non-polar, at codon 356 of the NLRC4 protein (p.Ser356Phe). In summary, the available evidence is currently insufficient to determine the role of this variant in disease. Therefore, it has been classified as a Variant of Uncertain Significance.